The following is an entry in ClinVar:

ClinVar aggregate classification (germline): Conflicting classifications of pathogenicity. Review status: criteria provided, conflicting classifications (1 of 4 stars). 10 submissions from 10 submitters: Likely pathogenic (1); Uncertain significance (7); Benign (1). 1 of the submissions does not count toward it. Last evaluated 2026-01-19.

Conditions:
Muscle AMP deaminase deficiency (MMDD). Also called: Adenosine monophosphate deaminase 1 deficiency; AMP deaminase 1 deficiency; Adenosine Monophosphate Deaminase 1; ADENOSINE MONOPHOSPHATE DEAMINASE-1 DEFICIENCY, MYOPATHY DUE TO; AMPD1 DEFICIENCY; Myoadenylate deaminase deficiency, myopathy due to. Identifiers: Orphanet 45, MedGen C3714933, MONDO:0014220, OMIM 615511.

Allele frequency attached by ClinVar (database versions not stated): 1000 Genomes Project 0.00220; TOPMed 0.00044; gnomAD 0.00031 and 0.00040; ExAC 0.00077; 1000 Genomes Project 30x 0.00203.
gnomAD v4.1: 416 of 1,613,158 alleles (0.026%); highest among the groups gnomAD compares: East Asian, 0.76%; no homozygotes.

Submissions (10):

Labcorp Genetics (formerly Invitae), Labcorp
Classification: Benign for Muscle AMP deaminase deficiency. Last evaluated: 2026-01-19. Review status: criteria provided, single submitter. Criteria: Invitae Variant Classification Sherloc (09022015). Collection method: clinical testing. Allele origin: germline.

Blueprint Genetics
Classification: Uncertain significance. Last evaluated: 2024-11-05. Review status: criteria provided, single submitter. Criteria: ACMG Guidelines, 2015. Collection method: clinical testing. Allele origin: germline.

Fulgent Genetics
Classification: Uncertain significance for Muscle AMP deaminase deficiency. Last evaluated: 2024-03-21. Review status: criteria provided, single submitter. Criteria: ACMG Guidelines, 2015. Collection method: clinical testing. Allele origin: germline.

Department of Pathology and Laboratory Medicine, Sinai Health System
Classification: Uncertain significance for Muscle AMP deaminase deficiency. Last evaluated: 2022-10-14. Review status: criteria provided, single submitter. Criteria: ACMG Guidelines, 2015. Collection method: research. Allele origin: germline.

Mendelics
Classification: Uncertain significance. Last evaluated: 2022-05-04. Review status: criteria provided, single submitter. Criteria: Mendelics Assertion Criteria 2019. Collection method: clinical testing. Allele origin: germline.

Revvity Omics, Revvity
Classification: Uncertain significance for Muscle AMP deaminase deficiency. Last evaluated: 2020-01-14. Review status: criteria provided, single submitter. Criteria: ACMG Guidelines, 2015. Collection method: clinical testing. Allele origin: germline.

Soonchunhyang University Bucheon Hospital, Soonchunhyang University Medical Center
Classification: Likely pathogenic for Muscle AMP deaminase deficiency. Last evaluated: 2016-03-18. Review status: criteria provided, single submitter. Criteria: ACMG Guidelines, 2015. Collection method: reference population. Allele origin: germline. Observed: 2 variant alleles.

Eurofins Ntd Llc (ga)
Classification: Uncertain significance. Last evaluated: 2014-11-10. Review status: criteria provided, single submitter. Criteria: EGL Classification Definitions 2015. Collection method: clinical testing. Allele origin: germline. Observed: 1 variant allele, 1 heterozygote.

Juno Genomics, Hangzhou Juno Genomics, Inc
Classification: Uncertain significance for Muscle AMP deaminase deficiency. Review status: criteria provided, single submitter. Criteria: ACMG Guidelines, 2015. Collection method: clinical testing. Allele origin: germline.
Comment: Well-established in vitro or in vivo functional studies supportive of a damaging effect on the gene or gene product.

OMIM
Classification: Pathogenic for MYOPATHY DUE TO MYOADENYLATE DEAMINASE DEFICIENCY. Last evaluated: 2000-12-01. Review status: no assertion criteria provided. Collection method: literature only. Allele origin: germline. Not counted in ClinVar's aggregate classification.

Literature cited by the submitters: PubMed 11102975 (cited by Soonchunhyang University Bucheon Hospital, Soonchunhyang University Medical Center and OMIM); PubMed 10996775 (cited by OMIM).

NM_000036.3(AMPD1):c.1274G>A (p.Arg425His)

Gene: AMPD1 (adenosine monophosphate deaminase 1; minus strand). Cytogenetic location: 1p13.2.
Variant type: single nucleotide variant.
Coding change: c.1274G>A on transcript NM_000036.3 (MANE Select); coding-DNA position 1274, G replaced by A.
Protein change: p.Arg425His; replaces arginine 425 with histidine.
Molecular consequence: missense variant.
Genome position (GRCh38, 1-based): chr1:114,677,465, C>T on the plus strand (G>A on the coding strand, the complement: AMPD1 is on the minus strand). VCF-style: chr1-114677465-C-T. GRCh37 (hg19) VCF-style: chr1-115220086-C-T.
Other names: R425H; c.1262G>A, p.Arg421His (NM_001172626.2); short protein forms R458H, R421H.
Identifiers: ClinVar variation 18273 (VCV000018273.23), dbSNP rs121912682, ClinGen allele CA128025.